The following is an entry in ClinVar:

NM_005051.3(QARS1):c.533G>T (p.Gly178Val)

Gene: QARS1 (glutaminyl-tRNA synthetase 1; minus strand). Cytogenetic location: 3p21.31.
Variant type: single nucleotide variant.
Coding change: c.533G>T on transcript NM_005051.3 (MANE Select); coding-DNA position 533, G replaced by T.
Protein change: p.Gly178Val; replaces glycine 178 with valine.
Molecular consequence: missense variant. On other transcripts: non-coding transcript variant (1).
Genome position (GRCh38, 1-based): chr3:49,102,456, C>A on the plus strand (G>T on the coding strand, the complement: QARS1 is on the minus strand). VCF-style: chr3-49102456-C-A. GRCh37 (hg19) VCF-style: chr3-49139889-C-A.
Other names: c.500G>T, p.Gly167Val (NM_001272073.2); short protein forms G167V, G178V.
Identifiers: ClinVar variation 1311814 (VCV001311814.3), dbSNP rs2107109028, ClinGen allele CA352716951.

ClinVar aggregate classification (germline): Likely pathogenic (1 of 4 stars; one submission).

Submission:

GeneDx
Classification: Likely pathogenic. Last evaluated: 2022-06-02. Review status: criteria provided, single submitter. Criteria: GeneDx Variant Classification Process June 2021. Collection method: clinical testing. Allele origin: germline. Affected: yes.
Comment: Not observed at significant frequency in large population cohorts (gnomAD); In silico analysis supports that this missense variant has a deleterious effect on protein structure/function; Has not been previously published as pathogenic or benign to our knowledge; This variant is associated with the following publications: (PMID: 25471517)